The following is an entry in ClinVar:

NM_030773.4(TUBB1):c.998T>G (p.Val333Gly)

Gene: TUBB1 (tubulin beta 1 class VI; plus strand). Cytogenetic location: 20q13.32.
Variant type: single nucleotide variant.
Coding change: c.998T>G on transcript NM_030773.4 (MANE Select); coding-DNA position 998, T replaced by G.
Protein change: p.Val333Gly; replaces valine 333 with glycine.
Molecular consequence: missense variant.
Genome position (GRCh38, 1-based): chr20:59,024,425, T>G. VCF-style: chr20-59024425-T-G. GRCh37 (hg19) VCF-style: chr20-57599480-T-G.
Other names: short protein forms V333G.
Identifiers: ClinVar variation 4193923 (VCV004193923.3).

ClinVar aggregate classification (germline): Uncertain significance. Review status: criteria provided, multiple submitters, no conflicts (2 of 4 stars). 3 submissions from 3 submitters: Uncertain significance (3). Last evaluated 2025-10-29.

Conditions:
TUBB1-related disorder. Also called: TUBB1-related condition.
Inborn genetic diseases. Identifiers: MedGen C0950123, MeSH D030342.

gnomAD v4.1: 28 of 1,614,108 alleles (0.0017%); highest among the groups gnomAD compares: African/African-American, 0.0027%; no homozygotes.

Submissions (3):

Labcorp Genetics (formerly Invitae), Labcorp
Classification: Uncertain significance. Last evaluated: 2025-10-29. Review status: criteria provided, single submitter. Criteria: Invitae Variant Classification Sherloc (09022015). Collection method: clinical testing. Allele origin: germline.
Comment: This sequence change replaces valine, which is neutral and non-polar, with glycine, which is neutral and non-polar, at codon 333 of the TUBB1 protein (p.Val333Gly). This variant is present in population databases (no rsID available, gnomAD 0.007%). This variant has not been reported in the literature in individuals affected with TUBB1-related conditions. ClinVar contains an entry for this variant (Variation ID: 4193923). Invitae Evidence Modeling of protein sequence and biophysical properties (such as structural, functional, and spatial information, amino acid conservation, physicochemical variation, residue mobility, and thermodynamic stability) indicates that this missense variant is expected to disrupt TUBB1 protein function with a positive predictive value of 80%. In summary, the available evidence is currently insufficient to determine the role of this variant in disease. Therefore, it has been classified as a Variant of Uncertain Significance.

Ambry Genetics
Classification: Uncertain significance for Inborn genetic diseases. Last evaluated: 2025-09-05. Review status: criteria provided, single submitter. Criteria: Ambry Variant Classification Scheme 2023. Collection method: clinical testing. Allele origin: germline.

PreventionGenetics, part of Exact Sciences
Classification: Uncertain significance for TUBB1-related condition. Last evaluated: 2025-01-27. Review status: criteria provided, single submitter. Criteria: ACMG Guidelines, 2015. Collection method: clinical testing. Allele origin: germline.
Comment: The TUBB1 c.998T>G variant is predicted to result in the amino acid substitution p.Val333Gly. To our knowledge, this variant has not been reported in the literature or in a large population database (gnomAD), indicating this variant is rare. At this time, the clinical significance of this variant is uncertain due to the absence of conclusive functional and genetic evidence.